The following is an entry in ClinVar:

NM_001022.4(RPS19):c.411+3A>G

Genes: RPS19 (ribosomal protein S19; plus strand), RPS19-CD79A (RPS19-CD79A readthrough; plus strand). Cytogenetic location: 19q13.2.
Variant type: single nucleotide variant.
Coding change: c.411+3A>G on transcript NM_001022.4 (MANE Select); 3 bases into the intron after coding-DNA position 411, A replaced by G.
Molecular consequence: intron variant.
Genome position (GRCh38, 1-based): chr19:41,869,756, A>G. VCF-style: chr19-41869756-A-G. GRCh37 (hg19) VCF-style: chr19-42373826-A-G.
Other names: c.411+3A>G (NM_001321484.2, NM_001321483.2); c.424+3A>G (NM_001321485.2).
Identifiers: ClinVar variation 1395662 (VCV001395662.6), dbSNP rs2123286000, ClinGen allele CA2573156392.
Genomic context (GRCh38, chr19:41,869,756, plus strand): 5'-CAGCGGCCGCAAACTGACACCTCAGGGACAAAGAGATCTGGACAGAATCGCCGGACAGGT[A>G]AGGCCTGCGTTTGGGGTGGGGCTGGGTCCCTTAGTCGCTGCCCAAGCATTTCCAAAGCCC-3'

ClinVar aggregate classification (germline): Uncertain significance (1 of 4 stars; one submission).

Conditions:
Diamond-Blackfan anemia. Also called: Blackfan Diamond syndrome; Aregenerative anemia chronic congenital; Red cell aplasia, pure hereditary; Congenital hypoplastic anemia; Aase syndrome. Identifiers: Orphanet 124, MedGen C1260899, MeSH D029503, MONDO:0015253, HP:0004810.

Allele frequency attached by ClinVar (database versions not stated): gnomAD exomes below 0.00001.
gnomAD v4.1: 1 of 1,614,002 alleles (0.000062%); highest among the groups gnomAD compares: Non-Finnish European, 0.000085%; no homozygotes.

Submission:

Labcorp Genetics (formerly Invitae), Labcorp
Classification: Uncertain significance for Diamond-Blackfan anemia. Last evaluated: 2021-11-29. Review status: criteria provided, single submitter. Criteria: Invitae Variant Classification Sherloc (09022015). Collection method: clinical testing. Allele origin: germline.
Comment: Variants that disrupt the consensus splice site are a relatively common cause of aberrant splicing (PMID: 17576681, 9536098). Algorithms developed to predict the effect of sequence changes on RNA splicing suggest that this variant is not likely to affect RNA splicing. In summary, the available evidence is currently insufficient to determine the role of this variant in disease. Therefore, it has been classified as a Variant of Uncertain Significance. This variant has not been reported in the literature in individuals affected with RPS19-related conditions. This variant is not present in population databases (gnomAD no frequency). This sequence change falls in intron 5 of the RPS19 gene. It does not directly change the encoded amino acid sequence of the RPS19 protein. It affects a nucleotide within the consensus splice site.

Literature cited by the submitters: PubMed 17576681; PubMed 9536098.